The following is an entry in ClinVar:

NM_173076.3(ABCA12):c.3256A>T (p.Lys1086Ter)

Gene: ABCA12 (ATP binding cassette subfamily A member 12; minus strand). Cytogenetic location: 2q35.
Variant type: single nucleotide variant.
Coding change: c.3256A>T on transcript NM_173076.3 (MANE Select); coding-DNA position 3256, A replaced by T.
Protein change: p.Lys1086Ter; replaces lysine 1086 with a stop codon.
Molecular consequence: nonsense. On other transcripts: non-coding transcript variant (1).
Genome position (GRCh38, 1-based): chr2:214,997,733, T>A on the plus strand (A>T on the coding strand, the complement: ABCA12 is on the minus strand). VCF-style: chr2-214997733-T-A. GRCh37 (hg19) VCF-style: chr2-215862457-T-A.
Other names: c.2302A>T, p.Lys768Ter (NM_015657.4); short protein forms K1086*, K768*.
Identifiers: ClinVar variation 265004 (VCV000265004.6), dbSNP rs755391236, ClinGen allele CA10588333.

ClinVar aggregate classification (germline): Pathogenic. Review status: criteria provided, multiple submitters, no conflicts (2 of 4 stars). 3 submissions from 3 submitters: Pathogenic (3). Last evaluated 2025-10-12.

Conditions:
ABCA12-related disorder. Also called: ABCA12-related condition.

Submissions (3):

Labcorp Genetics (formerly Invitae), Labcorp
Classification: Pathogenic. Last evaluated: 2025-10-12. Review status: criteria provided, single submitter. Criteria: Invitae Variant Classification Sherloc (09022015). Collection method: clinical testing. Allele origin: germline.
Comment: This sequence change creates a premature translational stop signal (p.Lys1086*) in the ABCA12 gene. It is expected to result in an absent or disrupted protein product. Loss-of-function variants in ABCA12 are known to be pathogenic (PMID: 20672373). This variant is not present in population databases (gnomAD no frequency). This premature translational stop signal has been observed in individual(s) with harlequin ichthyosis (PMID: 30809833). ClinVar contains an entry for this variant (Variation ID: 265004). For these reasons, this variant has been classified as Pathogenic.

3billion
Classification: Pathogenic for ABCA12-related disorder. Last evaluated: 2025-03-10. Review status: criteria provided, single submitter. Criteria: ACMG Guidelines, 2015. Collection method: clinical testing. Allele origin: germline. Affected: yes.
Comment: The variant is not observed in the gnomAD v4.1.0 dataset. Predicted Consequence/Location: Stop-gained (nonsense): predicted to result in a loss or disruption of normal protein function through nonsense-mediated decay (NMD) or protein truncation. Multiple pathogenic variants are reported downstream of the variant. The variant was homozygous. The variant has been reported at least twice as pathogenic with clinical assertions and evidence for the classification (ClinVar ID: VCV000265004 / PMID: 30809833). Therefore, this variant is classified as Pathogenic according to the recommendation of ACMG/AMP guideline.

GeneDx
Classification: Pathogenic. Last evaluated: 2018-01-12. Review status: criteria provided, single submitter. Criteria: GeneDx Variant Classification (06012015). Collection method: clinical testing. Allele origin: germline. Affected: yes.
Comment: The K1086X nonsense variant in the ABCA12 gene is predicted to cause loss of normal protein function either through protein truncation or nonsense-mediated mRNA decay. The variant was not observed in approximately 6,500 individuals of European and African American ancestry in the NHLBI Exome Sequencing Project, indicating it is not a common benign variant in these populations. Although the K1086X variant has not been published previously to our knowledge, we consider this variant to be pathogenic.

Literature cited by the submitters: PubMed 20672373 (cited by Labcorp Genetics (formerly Invitae), Labcorp); PubMed 30809833 (cited by Labcorp Genetics (formerly Invitae), Labcorp and 3billion).